The following is an entry in ClinVar:

ClinVar aggregate classification (germline): Uncertain significance (1 of 4 stars; one submission).

Conditions:
Hereditary cancer-predisposing syndrome. Also called: Neoplastic Syndromes, Hereditary; Tumor predisposition; Hereditary neoplastic syndrome; Hereditary Cancer Syndrome. Identifiers: Orphanet 140162, MedGen C0027672, MeSH D009386, MONDO:0015356.

Submission:

Ambry Genetics
Classification: Uncertain significance for Hereditary cancer-predisposing syndrome. Last evaluated: 2018-06-18. Review status: criteria provided, single submitter. Criteria: Ambry Variant Classification Scheme 2023. Collection method: clinical testing. Allele origin: germline.
Comment: The p.S1113P variant (also known as c.3337T>C), located in coding exon 20 of the DICER1 gene, results from a T to C substitution at nucleotide position 3337. The serine at codon 1113 is replaced by proline, an amino acid with similar properties. This amino acid position is well conserved in available vertebrate species. In addition, this alteration is predicted to be tolerated by in silico analysis. Since supporting evidence is limited at this time, the clinical significance of this alteration remains unclear.

NM_177438.3(DICER1):c.3337T>C (p.Ser1113Pro)

Gene: DICER1 (dicer 1, ribonuclease III; minus strand). Cytogenetic location: 14q32.13.
Variant type: single nucleotide variant.
Coding change: c.3337T>C on transcript NM_177438.3 (MANE Select); coding-DNA position 3337, T replaced by C.
Protein change: p.Ser1113Pro; replaces serine 1113 with proline.
Molecular consequence: missense variant.
Genome position (GRCh38, 1-based): chr14:95,104,059, A>G on the plus strand (T>C on the coding strand, the complement: DICER1 is on the minus strand). VCF-style: chr14-95104059-A-G. GRCh37 (hg19) VCF-style: chr14-95570396-A-G.
Other names: c.3337T>C, p.Ser1113Pro (NM_001195573.1, NM_001271282.3, NM_001291628.2 and 1 more transcripts); short protein forms S1113P.
Identifiers: ClinVar variation 823627 (VCV000823627.4), dbSNP rs1595367700, ClinGen allele CA390875855.